The following is an entry in ClinVar:

ClinVar aggregate classification (germline): Pathogenic (1 of 4 stars; one submission).

Conditions:
Cobalamin C disease. Also called: Cobalamin-C methylmalonic acidemia and homocystinuria; Methylmalonic acidemia and homocystinuria cblC type; methylmalonic aciduria and homocystinuria type cblC; Methylmalonic aciduria and homocystinuria, Vitamin B12-responsive; Vitamin B12 metabolic defect with combined deficiency of methylmalonyl-CoA mutase and homocysteine:methyltetrahydrofolate methyltransferase; Methylmalonic aciduria with homocystinuria cblC type. Identifiers: Orphanet 26, Orphanet 79282, MedGen C1848561, MONDO:0010184, OMIM 277400.

Submission:

Labcorp Genetics (formerly Invitae), Labcorp
Classification: Pathogenic for Cobalamin C disease. Last evaluated: 2025-03-23. Review status: criteria provided, single submitter. Criteria: Invitae Variant Classification Sherloc (09022015). Collection method: clinical testing. Allele origin: germline.
Comment: This sequence change creates a premature translational stop signal (p.Gly162Alafs*21) in the MMACHC gene. While this is not anticipated to result in nonsense mediated decay, it is expected to disrupt the last 121 amino acid(s) of the MMACHC protein. This variant is not present in population databases (gnomAD no frequency). This variant has not been reported in the literature in individuals affected with MMACHC-related conditions. This variant disrupts a region of the MMACHC protein in which other variant(s) (p.Tyr222*) have been determined to be pathogenic (PMID: 16311595, 19767224, 30157807). This suggests that this is a clinically significant region of the protein, and that variants that disrupt it are likely to be disease-causing. For these reasons, this variant has been classified as Pathogenic.

Literature cited by the submitters: PubMed 16311595; PubMed 19767224; PubMed 30157807.

NM_015506.3(MMACHC):c.481_484dup (p.Gly162fs)

Gene: MMACHC (metabolism of cobalamin associated C; plus strand). Cytogenetic location: 1p34.1.
Variant type: Duplication.
Coding change: c.481_484dup on transcript NM_015506.3 (MANE Select); coding-DNA positions 481 to 484, 4 bases duplicated (CGAG; older notation c.481_484dupCGAG).
Protein change: p.Gly162fs; shifts the reading frame from glycine 162.
Molecular consequence: frameshift variant.
Genome position (GRCh38, 1-based): chr1:45,508,847-45,508,850, CGAG duplicated. VCF-style (leftmost placement, unchanged base first): chr1-45508846-C-CCGAG. GRCh37 (hg19) VCF-style: chr1-45974518-C-CCGAG.
Other names: c.310_313dup, p.Gly105fs (NM_001330540.2); short protein forms G105fs, G162fs.
Identifiers: ClinVar variation 4715767 (VCV004715767.1).
Genomic context (GRCh38, chr1:45,508,846, plus strand): 5'-CTCTCCCCAGCGCATATCAGGTGTGTGCATACACCCCCGATTTGGGGGCTGGTTTGCCAT[C>CCGAG]CGAGGGGTAGTGCTGCTGCCAGGGATAGAGGTGCCAGATCTGCCACCCAGAAAACCTCAT-3'